The following is an entry in ClinVar:

ClinVar aggregate classification (germline): Uncertain significance (1 of 4 stars; one submission).

gnomAD v4.1: 2 of 1,613,630 alleles (0.00012%); highest among the groups gnomAD compares: Non-Finnish European, 0.000085%; no homozygotes.

Submission:

Laboratory for Molecular Medicine, Mass General Brigham Personalized Medicine
Classification: Uncertain significance. Last evaluated: 2018-03-01. Review status: criteria provided, single submitter. Criteria: LMM Criteria. Collection method: clinical testing. Allele origin: germline.
Comment: Disclaimer: This variant has not undergone full assessment. The following are preliminary notes: Not present in GnomAd- 2:39250157 C / T good coverage; Not in ClinVar, Google search or HGMD; predicted damaging; well conserved

NM_005633.4(SOS1):c.1412G>A (p.Cys471Tyr)

Gene: SOS1 (SOS Ras/Rac guanine nucleotide exchange factor 1; minus strand). Cytogenetic location: 2p22.1.
Variant type: single nucleotide variant.
Coding change: c.1412G>A on transcript NM_005633.4 (MANE Select); coding-DNA position 1412, G replaced by A.
Protein change: p.Cys471Tyr; replaces cysteine 471 with tyrosine.
Molecular consequence: missense variant.
Genome position (GRCh38, 1-based): chr2:39,023,016, C>T on the plus strand (G>A on the coding strand, the complement: SOS1 is on the minus strand). VCF-style: chr2-39023016-C-T. GRCh37 (hg19) VCF-style: chr2-39250157-C-T.
Other names: c.1391G>A, p.Cys464Tyr (NM_001382394.1); c.1412G>A, p.Cys471Tyr (NM_001382395.1); short protein forms C471Y, C464Y.
Identifiers: ClinVar variation 503549 (VCV000503549.4), dbSNP rs397517151, ClinGen allele CA346366228.